The following is an entry in ClinVar:

ClinVar aggregate classification (germline): Likely pathogenic. Review status: criteria provided, single submitter (1 of 4 stars). 2 submissions from 2 submitters: Likely pathogenic (1). 1 of the submissions does not count toward it. Last evaluated 2023-03-01.

Conditions:
Anemia, congenital dyserythropoietic, type IVa. Also called: Congenital dyserythropoietic anemia type 4; CDA, TYPE IVa; Congenital dyserythropoietic anemia, type IV. Identifiers: Orphanet 293825, MedGen C3150926, MONDO:0013355, OMIM 613673.

Allele frequency attached by ClinVar (database versions not stated): gnomAD exomes below 0.00001.
gnomAD v4.1: 1 of 1,579,742 alleles (0.000063%); highest among the groups gnomAD compares: African/African-American, 0.0013%; no homozygotes.

Submissions (2):

Neuberg Centre For Genomic Medicine, NCGM
Classification: Likely pathogenic for Anemia, congenital dyserythropoietic, type IVa. Last evaluated: 2023-03-01. Review status: criteria provided, single submitter. Criteria: ACMG Guidelines, 2015. Collection method: clinical testing. Allele origin: germline. Inheritance: Autosomal dominant inheritance. Affected: yes.
Comment: The splice donor variant c.913+1G>A in the KLF1 gene has not been reported previously as a pathogenic variant nor as a benign variant, to our knowledge. The c.913+1G>A variant is novel (not in any individuals) in gnomAD Exomes and 1000 Genomes. This variant has been reported to the ClinVar database as Likely_pathogenic with a status of no assertion criteria provided. The variant affects the GT donor splice site downstream of exon 2. Loss of function variants have been previously reported to be disease causing. For these reasons, this variant has been classified as Likely Pathogenic.

Department of Medical Genetics, Oslo University Hospital
Classification: Likely pathogenic. Review status: no assertion criteria provided. Collection method: not provided. Allele origin: unknown. Not counted in ClinVar's aggregate classification.
Comment: Spilicing
ClinVar note: Converted during submission from probable-pathogenic to Likely pathogenic.

NM_006563.5(KLF1):c.913+1G>A

Genes: KLF1 (KLF transcription factor 1; minus strand), LOC117125591 (CRISPRi-FlowFISH-validated PRDX2 and RAD23A regulatory element; plus strand). Cytogenetic location: 19p13.13.
Variant type: single nucleotide variant.
Coding change: c.913+1G>A on transcript NM_006563.5 (MANE Select); the canonical splice donor site of the intron after coding-DNA position 913, G replaced by A.
Molecular consequence: splice donor variant.
Genome position (GRCh38, 1-based): chr19:12,885,316, C>T on the plus strand (G>A on the coding strand, the complement: KLF1 is on the minus strand). VCF-style: chr19-12885316-C-T. GRCh37 (hg19) VCF-style: chr19-12996130-C-T.
Identifiers: ClinVar variation 100801 (VCV000100801.3), dbSNP rs483352840, ClinGen allele CA228980.